The following is an entry in ClinVar:

NM_002225.5(IVD):c.263del (p.Gly88fs)

Gene: IVD (isovaleryl-CoA dehydrogenase; plus strand). Cytogenetic location: 15q15.1.
Variant type: Deletion.
Coding change: c.263del on transcript NM_002225.5 (MANE Select); coding-DNA position 263, one base deleted (G; older notation c.263delG).
Protein change: p.Gly88fs; shifts the reading frame from glycine 88.
Molecular consequence: frameshift variant. On other transcripts: non-coding transcript variant (1).
Genome position (GRCh38, 1-based): chr15:40,407,967, G deleted; the last of 3 consecutive G bases (chr15:40,407,965-40,407,967); deleting any one gives the same sequence. VCF-style (leftmost placement, unchanged base first): chr15-40407964-TG-T. GRCh37 (hg19) VCF-style: chr15-40700163-TG-T.
Other names: c.173del, p.Gly58fs (NM_001159508.3); c.215del, p.Gly72fs (NM_001354597.3); c.263del, p.Gly88fs (NM_001354598.3, NM_001354601.3); c.350del, p.Gly117fs (NM_001354599.3, NM_001354600.3); short protein forms G117fs, G58fs, G72fs, G88fs.
Identifiers: ClinVar variation 1725628 (VCV001725628.2), dbSNP rs2542649462, ClinGen allele CA2580089358.
Genomic context (GRCh38, chr15:40,407,964, plus strand): 5'-AACACTTATTCCACTCTGCTCCATTCTGTTGGCAGGAATTTTGGAAGCAGCTGGGGAACC[TG>T]GGCGTATTGGGCATCACAGCCCCTGGTGAGTATAGTGTCTTTCCCTAAAAAGAACTTTTC-3'

ClinVar aggregate classification (germline): Likely pathogenic (1 of 4 stars; one submission).

Conditions:
Isovaleryl-CoA dehydrogenase deficiency (IVA). Also called: ISOVALERIC ACID CoA DEHYDROGENASE DEFICIENCY; Classic Isovaleric Acidemia; Isovaleric acidemia; IVD DEFICIENCY. Identifiers: Orphanet 33, MedGen C0268575, MONDO:0009475, OMIM 243500.

Submission:

Myriad Genetics, Inc.
Classification: Likely pathogenic for Isovaleryl-CoA dehydrogenase deficiency. Last evaluated: 2022-03-30. Review status: criteria provided, single submitter. Criteria: Myriad Women's Health Autosomal Recessive and X-Linked Classification Criteria (2021). Collection method: clinical testing. Allele origin: unknown.
Comment: NM_002225.3(IVD):c.272delG(G91Afs*24) is expected to be pathogenic in the context of isovaleric acidemia. This variant is predicted to lead to an abnormal or absent protein product due to the creation of a premature termination codon in IVD, a gene where loss-of-function variants are known to be pathogenic. Please note: this variant was assessed in the context of healthy population screening.